The following is an entry in ClinVar:

ClinVar aggregate classification (germline): Uncertain significance (1 of 4 stars; one submission).

Submission:

Labcorp Genetics (formerly Invitae), Labcorp
Classification: Uncertain significance. Last evaluated: 2023-05-31. Review status: criteria provided, single submitter. Criteria: Invitae Variant Classification Sherloc (09022015). Collection method: clinical testing. Allele origin: germline.
Comment: In summary, the available evidence is currently insufficient to determine the role of this variant in disease. Therefore, it has been classified as a Variant of Uncertain Significance. Experimental studies and prediction algorithms are not available or were not evaluated, and the effect of this variant on mRNA splicing is currently unknown. ClinVar contains an entry for this variant (Variation ID: 1940997). This variant has not been reported in the literature in individuals affected with GFAP-related conditions. Information on the frequency of this variant in the gnomAD database is not available, as this variant may be reported differently in the database. This sequence change falls in intron 3 of the GFAP gene. It does not directly change the encoded amino acid sequence of the GFAP protein.

NM_002055.5(GFAP):c.619-10_619-9delinsTG

Gene: GFAP (glial fibrillary acidic protein; minus strand). Cytogenetic location: 17q21.31.
Variant type: Indel.
Coding change: c.619-10_619-9delinsTG on transcript NM_002055.5 (MANE Select); 10 bases into the intron before coding-DNA position 619 through 9 bases into the intron before coding-DNA position 619, CC replaced by TG.
Molecular consequence: intron variant.
Genome position (GRCh38, 1-based): chr17:44,913,439-44,913,440, GG replaced by CA on the plus strand (CC replaced by TG on the coding strand, the reverse complement: GFAP is on the minus strand). VCF-style: chr17-44913439-GG-CA. GRCh37 (hg19) VCF-style: chr17-42990807-GG-CA.
Other names: c.619-10_619-9delinsTG (NM_001363846.2, NM_001131019.3, NM_001242376.3).
Identifiers: ClinVar variation 1940997 (VCV001940997.5), dbSNP rs2508941055, ClinGen allele CA2580094086.
Genomic context (GRCh38, chr17:44,913,439, plus strand): 5'-GCTCCACATGGACCTGCTGTCGGGCCAGCTGCTCCTGGAGTTCCCGAACCTCCTGACCAG[GG>CA]TGAGAGAAGCGGTACCAGGGCTCAGGGTACAGGCCACAGCTGGGGTTCCCCACGCCATTG-3'